The following is an entry in ClinVar:

NM_013275.6(ANKRD11):c.6880A>C (p.Thr2294Pro)

Gene: ANKRD11 (ankyrin repeat domain 11; minus strand). Cytogenetic location: 16q24.3.
Variant type: single nucleotide variant.
Coding change: c.6880A>C on transcript NM_013275.6 (MANE Select); coding-DNA position 6880, A replaced by C.
Protein change: p.Thr2294Pro; replaces threonine 2294 with proline.
Molecular consequence: missense variant.
Genome position (GRCh38, 1-based): chr16:89,279,662, T>G on the plus strand (A>C on the coding strand, the complement: ANKRD11 is on the minus strand). VCF-style: chr16-89279662-T-G. GRCh37 (hg19) VCF-style: chr16-89346070-T-G.
Other names: c.6880A>C, p.Thr2294Pro (NM_001256182.2, NM_001256183.2); short protein forms T2294P.
Identifiers: ClinVar variation 1714557 (VCV001714557.5), dbSNP rs993290174, ClinGen allele CA397149786.

ClinVar aggregate classification (germline): Uncertain significance (1 of 4 stars; one submission).

Conditions:
KBG syndrome (KBGS). Also called: ANKRD11-Related KBG Syndrome. Identifiers: Orphanet 2332, MedGen C0220687, MONDO:0007846, OMIM 148050.

gnomAD v4.1: 4 of 1,446,486 alleles (0.00028%); highest among the groups gnomAD compares: Non-Finnish European, 0.00036%; no homozygotes.

Submission:

Labcorp Genetics (formerly Invitae), Labcorp
Classification: Uncertain significance for KBG syndrome. Last evaluated: 2025-01-27. Review status: criteria provided, single submitter. Criteria: Invitae Variant Classification Sherloc (09022015). Collection method: clinical testing. Allele origin: germline.
Comment: This sequence change replaces threonine, which is neutral and polar, with proline, which is neutral and non-polar, at codon 2294 of the ANKRD11 protein (p.Thr2294Pro). This variant is not present in population databases (gnomAD no frequency). This variant has not been reported in the literature in individuals affected with ANKRD11-related conditions. ClinVar contains an entry for this variant (Variation ID: 1714557). Invitae Evidence Modeling of protein sequence and biophysical properties (such as structural, functional, and spatial information, amino acid conservation, physicochemical variation, residue mobility, and thermodynamic stability) indicates that this missense variant is not expected to disrupt ANKRD11 protein function with a negative predictive value of 95%. In summary, the available evidence is currently insufficient to determine the role of this variant in disease. Therefore, it has been classified as a Variant of Uncertain Significance.